The following is an entry in ClinVar:

ClinVar aggregate classification (germline): Uncertain significance (1 of 4 stars; one submission).

Submission:

Ambry Genetics
Classification: Uncertain significance. Last evaluated: 2022-02-07. Review status: criteria provided, single submitter. Criteria: Ambry Variant Classification Scheme 2023. Collection method: clinical testing. Allele origin: germline.
Comment: The p.L1049F variant (also known as c.3147G>C), located in coding exon 25 of the BUB1 gene, results from a G to C substitution at nucleotide position 3147. The leucine at codon 1049 is replaced by phenylalanine, an amino acid with highly similar properties. This amino acid position is conserved. In addition, this alteration is predicted to be tolerated by in silico analysis. Since supporting evidence is limited at this time, the clinical significance of this alteration remains unclear.

NM_004336.5(BUB1):c.3147G>C (p.Leu1049Phe)

Gene: BUB1 (BUB1 mitotic checkpoint serine/threonine kinase; minus strand). Cytogenetic location: 2q13.
Variant type: single nucleotide variant.
Coding change: c.3147G>C on transcript NM_004336.5 (MANE Select); coding-DNA position 3147, G replaced by C.
Protein change: p.Leu1049Phe; replaces leucine 1049 with phenylalanine.
Molecular consequence: missense variant.
Genome position (GRCh38, 1-based): chr2:110,638,075, C>G on the plus strand (G>C on the coding strand, the complement: BUB1 is on the minus strand). VCF-style: chr2-110638075-C-G. GRCh37 (hg19) VCF-style: chr2-111395652-C-G.
Other names: c.3087G>C, p.Leu1029Phe (NM_001278616.2); c.2976G>C, p.Leu992Phe (NM_001278617.2); short protein forms L1029F, L992F, L1049F.
Identifiers: ClinVar variation 1728138 (VCV001728138.2), dbSNP rs2467963415, ClinGen allele CA348088445.